The following is an entry in ClinVar:

ClinVar aggregate classification (germline): Uncertain significance (1 of 4 stars; one submission).

Conditions:
COL1A2-related disorder. Also called: COL1A2-related condition; COL1A2-Related Disorders.

Submission:

3billion
Classification: Uncertain significance for COL1A2-related disorder. Last evaluated: 2024-09-13. Review status: criteria provided, single submitter. Criteria: ACMG Guidelines, 2015. Collection method: clinical testing. Allele origin: germline. Affected: yes.
Comment: The variant is not observed in the gnomAD v4.0.0 dataset. Predicted Consequence/Location: Missense variant. Missense changes are a common disease-causing mechanism. In silico tool predictions suggest damaging effect of the variant on gene or gene product [REVEL: 0.97 (>=0.6, sensitivity 0.68 and specificity 0.92); 3Cnet: 0.99 (>=0.6, sensitivity 0.72 and precision 0.9)]. A different missense change at the same codon (p.Gly433Glu) has been reported to be associated with COL1A2 related disorder (PMID: 7906591). However the evidence of pathogenicity is insufficient at this time. Therefore, this variant is classified as VUS according to the recommendation of ACMG/AMP guideline.

Literature cited by the submitters: PubMed 7906591.

NM_000089.4(COL1A2):c.1298G>C (p.Gly433Ala)

Gene: COL1A2 (collagen type I alpha 2 chain; plus strand). Cytogenetic location: 7q21.3.
Variant type: single nucleotide variant.
Coding change: c.1298G>C on transcript NM_000089.4 (MANE Select); coding-DNA position 1298, G replaced by C.
Protein change: p.Gly433Ala; replaces glycine 433 with alanine.
Molecular consequence: missense variant.
Genome position (GRCh38, 1-based): chr7:94,411,102, G>C. VCF-style: chr7-94411102-G-C. GRCh37 (hg19) VCF-style: chr7-94040414-G-C.
Other names: short protein forms G433A.
Identifiers: ClinVar variation 4293606 (VCV004293606.1).